The following is an entry in ClinVar:

NM_002907.4(RECQL):c.1633A>G (p.Ile545Val)

Gene: RECQL (RecQ like helicase; minus strand). Cytogenetic location: 12p12.1.
Variant type: single nucleotide variant.
Coding change: c.1633A>G on transcript NM_002907.4 (MANE Select); coding-DNA position 1633, A replaced by G.
Protein change: p.Ile545Val; replaces isoleucine 545 with valine.
Molecular consequence: missense variant.
Genome position (GRCh38, 1-based): chr12:21,471,462, T>C on the plus strand (A>G on the coding strand, the complement: RECQL is on the minus strand). VCF-style: chr12-21471462-T-C. GRCh37 (hg19) VCF-style: chr12-21624396-T-C.
Other names: c.1633A>G, p.Ile545Val (NM_032941.3); short protein forms I545V.
Identifiers: ClinVar variation 1776869 (VCV001776869.3), dbSNP rs374053809, ClinGen allele CA384115128.
Genomic context (GRCh38, chr12:21,471,462, plus strand): 5'-AGAATAATGAATGAGTTTGTACATACTTAAGATACTGCTGTATTAGAAAGTGTGCAATAA[T>C]CTTCTCCAGATCTTCACGAGGAAGTGTGGGAGCCACAACACCTGCTACTCTCAGTTTTGC-3'
Protein context (NP_002898.2, residues 535-555): PTLPREDLEK[Ile545Val]IAHFLIQQYL

ClinVar aggregate classification (germline): Uncertain significance (1 of 4 stars; one submission).

Submission:

Ambry Genetics
Classification: Uncertain significance. Last evaluated: 2024-11-10. Review status: criteria provided, single submitter. Criteria: Ambry Variant Classification Scheme 2023. Collection method: clinical testing. Allele origin: germline.
Comment: The p.I545V variant (also known as c.1633A>G), located in coding exon 12 of the RECQL gene, results from an A to G substitution at nucleotide position 1633. The isoleucine at codon 545 is replaced by valine, an amino acid with highly similar properties. This amino acid position is not well conserved in available vertebrate species. In addition, this alteration is predicted to be tolerated by in silico analysis. The evidence for this gene-disease relationship is limited; therefore, the clinical significance of this alteration is unclear.